The following is an entry in ClinVar:

NM_001127511.3(APC):c.144C>G (p.Gly48=)

Gene: APC (APC regulator of Wnt signaling pathway; plus strand). Cytogenetic location: 5q22.2.
Variant type: single nucleotide variant.
Coding change: c.144C>G on transcript NM_001127511.3; coding-DNA position 144, C replaced by G.
Protein change: p.Gly48=; no amino-acid change (glycine 48 retained).
Molecular consequence: synonymous variant. On other transcripts: 5 prime UTR variant (8), non-coding transcript variant (1), intron variant (5).
Genome position (GRCh38, 1-based): chr5:112,707,861, C>G. VCF-style: chr5-112707861-C-G. GRCh37 (hg19) VCF-style: chr5-112043558-C-G.
Other names: c.-40C>G (NM_001407460.1, NM_001407469.1, NM_001354895.2 and 3 more transcripts); c.-1075C>G (NM_001407470.1, NM_001407472.1); c.-19+212C>G (NM_001407448.1, NM_001407450.1, NM_001407457.1 and 1 more transcripts); c.-43+212C>G (NM_001407453.1); c.144C>G, p.Gly48= (NM_001354897.2, NM_001354902.2, NM_001407446.1).
Identifiers: ClinVar variation 4809328 (VCV004809328.1).

ClinVar aggregate classification (germline): Uncertain significance (1 of 4 stars; one submission).

Conditions:
Familial adenomatous polyposis 1 (FAP1). Also called: POLYPOSIS, ADENOMATOUS INTESTINAL; FAMILIAL ADENOMATOUS POLYPOSIS 1, ATTENUATED. Identifiers: MedGen C2713442, MONDO:0021056, OMIM 175100. Disease mechanism: loss of function.

Submission:

Labcorp Genetics (formerly Invitae), Labcorp
Classification: Uncertain significance for Familial adenomatous polyposis 1. Last evaluated: 2025-04-27. Review status: criteria provided, single submitter. Criteria: Invitae Variant Classification Sherloc (09022015). Collection method: clinical testing. Allele origin: germline.
Comment: This variant occurs in a non-coding region of the APC gene. It does not change the encoded amino acid sequence of the APC protein. This variant is not present in population databases (gnomAD no frequency). This variant has not been reported in the literature in individuals affected with APC-related conditions. Experimental studies and prediction algorithms are not available or were not evaluated, and the functional significance of this variant is currently unknown. In summary, the available evidence is currently insufficient to determine the role of this variant in disease. Therefore, it has been classified as a Variant of Uncertain Significance.